The following is an entry in ClinVar:

ClinVar aggregate classification (germline): Uncertain significance (0 of 4 stars; one submission).

Conditions:
PCNT-related disorder. Also called: PCNT-related condition.

gnomAD v4.1: 31 of 1,613,922 alleles (0.0019%); highest among the groups gnomAD compares: East Asian, 0.0067%; no homozygotes.

Submission:

PreventionGenetics, part of Exact Sciences
Classification: Uncertain significance for PCNT-related condition. Last evaluated: 2024-09-25. Review status: no assertion criteria provided. Collection method: clinical testing. Allele origin: germline.
Comment: The PCNT c.2624G>A variant is predicted to result in the amino acid substitution p.Arg875His. To our knowledge, this variant has not been reported in the literature. This variant is reported in 0.020% of alleles in individuals of East Asian descent in gnomAD. At this time, the clinical significance of this variant is uncertain due to the absence of conclusive functional and genetic evidence.

NM_006031.6(PCNT):c.2624G>A (p.Arg875His)

Gene: PCNT (pericentrin; plus strand). Cytogenetic location: 21q22.3.
Variant type: single nucleotide variant.
Coding change: c.2624G>A on transcript NM_006031.6 (MANE Select); coding-DNA position 2624, G replaced by A.
Protein change: p.Arg875His; replaces arginine 875 with histidine.
Molecular consequence: missense variant.
Genome position (GRCh38, 1-based): chr21:46,366,598, G>A. VCF-style: chr21-46366598-G-A. GRCh37 (hg19) VCF-style: chr21-47786513-G-A.
Other names: c.2270G>A, p.Arg757His (NM_001315529.2); short protein forms R757H, R875H.
Identifiers: ClinVar variation 3356024 (VCV003356024.1).
Genomic context (GRCh38, chr21:46,366,598, plus strand): 5'-TTCCTGATGCATGTTTAACTGTCCTGTGTTCACTTTGTTGCCGCAGGTTTTTAGAGGAAC[G>A]TAAAGAGATCACCGAGAAATTCAGTGCGGAACAAGATGCCTTCCTGCAGGAGGCCCAGGA-3'
Protein context (NP_006022.3, residues 865-885): MLARSRFLEE[Arg875His]KEITEKFSAE